The following is an entry in ClinVar:

NM_001199107.2(TBC1D24):c.1433G>A (p.Arg478His)

Gene: TBC1D24 (TBC1 domain family member 24; plus strand). Cytogenetic location: 16p13.3.
Variant type: single nucleotide variant.
Coding change: c.1433G>A on transcript NM_001199107.2 (MANE Select); coding-DNA position 1433, G replaced by A.
Protein change: p.Arg478His; replaces arginine 478 with histidine.
Molecular consequence: missense variant.
Genome position (GRCh38, 1-based): chr16:2,500,398, G>A. VCF-style: chr16-2500398-G-A. GRCh37 (hg19) VCF-style: chr16-2550399-G-A.
Other names: c.1415G>A, p.Arg472His (NM_020705.3); short protein forms R472H, R478H.
Identifiers: ClinVar variation 1490346 (VCV001490346.8), dbSNP rs1596972871, ClinGen allele CA394380970.

ClinVar aggregate classification (germline): Uncertain significance (1 of 4 stars; one submission).

Conditions:
Autosomal dominant nonsyndromic hearing loss 65. Also called: Deafness, autosomal dominant 65; TBC1D24-Related Autosomal Dominant Nonsyndromic Hearing Loss (DFNA). Identifiers: Orphanet 90635, MedGen C3892048, MONDO:0014470, OMIM 616044.
Developmental and epileptic encephalopathy, 1 (DEE1). Also called: X-linked infantile spasms; West's syndrome; Tonic spasms with clustering, arrest of psychomotor development and hypsarrhythmia on EEG; X-Linked Infantile Spasm Syndrome; OHTAHARA SYNDROME, X-LINKED; INFANTILE SPASM SYNDROME, X-LINKED 1. Identifiers: MedGen C3463992, MONDO:0010632, OMIM 308350. Disease mechanism: loss of function.

Allele frequency attached by ClinVar (database versions not stated): gnomAD exomes 0.00001; gnomAD 0.00001.
gnomAD v4.1: 9 of 1,603,712 alleles (0.00056%); highest among the groups gnomAD compares: East Asian, 0.0023%; no homozygotes.

Submission:

Labcorp Genetics (formerly Invitae), Labcorp
Classification: Uncertain significance for Developmental and epileptic encephalopathy, 1; Autosomal dominant nonsyndromic hearing loss 65. Last evaluated: 2022-07-05. Review status: criteria provided, single submitter. Criteria: Invitae Variant Classification Sherloc (09022015). Collection method: clinical testing. Allele origin: germline.
Comment: ClinVar contains an entry for this variant (Variation ID: 1490346). In summary, the available evidence is currently insufficient to determine the role of this variant in disease. Therefore, it has been classified as a Variant of Uncertain Significance. Advanced modeling of protein sequence and biophysical properties (such as structural, functional, and spatial information, amino acid conservation, physicochemical variation, residue mobility, and thermodynamic stability) performed at Invitae indicates that this missense variant is not expected to disrupt TBC1D24 protein function. This variant has not been reported in the literature in individuals affected with TBC1D24-related conditions. This variant is not present in population databases (gnomAD no frequency). This sequence change replaces arginine, which is basic and polar, with histidine, which is basic and polar, at codon 478 of the TBC1D24 protein (p.Arg478His).